The following is an entry in ClinVar:

NC_000022.11:g.40345591G>T

Gene: ADSL (adenylosuccinate lyase; plus strand). Cytogenetic location: 22q13.1.
Variant type: single nucleotide variant.
Genome position: GRCh38 VCF-style: chr22-40345591-G-T. GRCh37 (hg19) VCF-style: chr22-40741595-G-T.
Identifiers: ClinVar variation 1932060 (VCV001932060.3), dbSNP rs1350358123, ClinGen allele CA639407922.

ClinVar aggregate classification (germline): Uncertain significance (1 of 4 stars; one submission).

Conditions:
Adenylosuccinate lyase deficiency (ADSLD). Also called: ADSL DEFICIENCY. Identifiers: Orphanet 46, MedGen C0268126, MONDO:0007068, OMIM 103050.

Submission:

Labcorp Genetics (formerly Invitae), Labcorp
Classification: Uncertain significance for Adenylosuccinate lyase deficiency. Last evaluated: 2022-02-21. Review status: criteria provided, single submitter. Criteria: Invitae Variant Classification Sherloc (09022015). Collection method: clinical testing. Allele origin: germline.
Comment: This variant occurs in a non-coding region of the ADSL gene. It does not change the encoded amino acid sequence of the ADSL protein. This variant is present in population databases (no rsID available, gnomAD 0.08%). This variant has not been reported in the literature in individuals affected with ADSL-related conditions. Experimental studies and prediction algorithms are not available or were not evaluated, and the functional significance of this variant is currently unknown. In summary, the available evidence is currently insufficient to determine the role of this variant in disease. Therefore, it has been classified as a Variant of Uncertain Significance.